The following is an entry in ClinVar:

NM_016038.4(SBDS):c.109G>C (p.Val37Leu)

Gene: SBDS (SBDS ribosome maturation factor; minus strand). Cytogenetic location: 7q11.21.
Variant type: single nucleotide variant.
Coding change: c.109G>C on transcript NM_016038.4 (MANE Select); coding-DNA position 109, G replaced by C.
Protein change: p.Val37Leu; replaces valine 37 with leucine.
Molecular consequence: missense variant.
Genome position (GRCh38, 1-based): chr7:66,995,309, C>G on the plus strand (G>C on the coding strand, the complement: SBDS is on the minus strand). VCF-style: chr7-66995309-C-G. GRCh37 (hg19) VCF-style: chr7-66460296-C-G.
Other names: short protein forms V37L.
Identifiers: ClinVar variation 4864061 (VCV004864061.1).
Genomic context (GRCh38, chr7:66,995,309, plus strand): 5'-GCTCAGGCCCAGGCCCAGGCCCGAGGGAGGGGGCTACTCACACGCCGCTCCGCCAGCCGA[C>G]GACCTTGTTTTTGTAGCAGGCGATTTCGAAGCGCTTCCCGGCACGCTTCATCCGTACCAC-3'
Protein context (NP_057122.2, residues 27-47): FEIACYKNKV[Val37Leu]GWRSGVEKDL

ClinVar aggregate classification (germline): Uncertain significance (1 of 4 stars; one submission).

Conditions:
Inborn genetic diseases. Identifiers: MedGen C0950123, MeSH D030342.

gnomAD v4.1: 2 of 1,614,020 alleles (0.00012%); highest among the groups gnomAD compares: Non-Finnish European, 0.00017%; no homozygotes.

Submission:

Ambry Genetics
Classification: Uncertain significance for Inborn genetic diseases. Last evaluated: 2026-05-14. Review status: criteria provided, single submitter. Criteria: Ambry Variant Classification Scheme 2023. Collection method: clinical testing. Allele origin: germline.
Comment: The p.V37L variant (also known as c.109G>C), located in coding exon 1 of the SBDS gene, results from a G to C substitution at nucleotide position 109. The valine at codon 37 is replaced by leucine, an amino acid with highly similar properties. This amino acid position is conserved. In addition, this alteration is predicted to be tolerated by in silico analysis. Based on the available evidence, the clinical significance of this variant remains unclear.